The following is an entry in ClinVar:

ClinVar aggregate classification (germline): Likely benign (1 of 4 stars; one submission).

Allele frequency attached by ClinVar (database versions not stated): TOPMed below 0.00001; ExAC 0.00002; gnomAD exomes 0.00003.
gnomAD v4.1: 37 of 1,614,122 alleles (0.0023%); highest among the groups gnomAD compares: Non-Finnish European, 0.0029%; no homozygotes.

Submission:

CeGaT Center for Human Genetics Tuebingen
Classification: Likely benign. Last evaluated: 2023-04-01. Review status: criteria provided, single submitter. Criteria: CeGaT Center For Human Genetics Tuebingen Variant Classification Criteria Version 2. Collection method: clinical testing. Allele origin: germline. Affected: yes. Observed: 1 variant allele.
Comment: MED13L: PP2, BP5, BS1

NM_015335.5(MED13L):c.3847C>T (p.Arg1283Trp)

Gene: MED13L (mediator complex subunit 13L; minus strand). Cytogenetic location: 12q24.21.
Variant type: single nucleotide variant.
Coding change: c.3847C>T on transcript NM_015335.5 (MANE Select); coding-DNA position 3847, C replaced by T.
Protein change: p.Arg1283Trp; replaces arginine 1283 with tryptophan.
Molecular consequence: missense variant.
Genome position (GRCh38, 1-based): chr12:115,991,107, G>A on the plus strand (C>T on the coding strand, the complement: MED13L is on the minus strand). VCF-style: chr12-115991107-G-A. GRCh37 (hg19) VCF-style: chr12-116428912-G-A.
Other names: short protein forms R1283W.
Identifiers: ClinVar variation 2570850 (VCV002570850.27), dbSNP rs769123468, ClinGen allele CA6810928.
Genomic context (GRCh38, chr12:115,991,107, plus strand): 5'-TGGCACTTCTCACCAGAGCTTCGTCCACTTTTCCACCAGTGGGGTTATCCACATACTGCC[G>A]CCCCTGCTCCAACGCATTAAAGCATTCCGTCCAGTAATCATTATTATCTGCTTGCACCCG-3'
Protein context (NP_056150.1, residues 1273-1293): TECFNALEQG[Arg1283Trp]QYVDNPTGGK